The following is an entry in ClinVar:

ClinVar aggregate classification (germline): Pathogenic (1 of 4 stars; one submission).

Conditions:
8q24.3 microdeletion syndrome. Also called: CHROMOSOME 8q24.3 DELETION SYNDROME; Verheij syndrome. Identifiers: Orphanet 508488, MedGen C3810023, MONDO:0014263, OMIM 615583.

Submission:

Randwick Genomics Laboratory, Prince of Wales Hospital Sydney, Australia, New South Wales Health Pathology
Classification: Pathogenic for 8q24.3 microdeletion syndrome. Review status: criteria provided, single submitter. Criteria: ACMG Guidelines, 2015. Collection method: clinical testing. Allele origin: germline. Affected: yes.
Comment: PVS1, PS2, PM2

Singleton, AD

NM_078480.3(PUF60):c.672dup (p.Phe225fs)

Gene: PUF60 (poly(U) binding splicing factor 60; minus strand). Cytogenetic location: 8q24.3.
Variant type: Duplication.
Coding change: c.672dup on transcript NM_078480.3 (MANE Select); coding-DNA position 672, one base duplicated (C; older notation c.672dupC).
Protein change: p.Phe225fs; shifts the reading frame from phenylalanine 225.
Molecular consequence: frameshift variant.
Genome position (GRCh38, 1-based): chr8:143,818,007, G duplicated on the plus strand (C on the coding strand, the reverse complement: PUF60 is on the minus strand); the first of 2 consecutive G bases (chr8:143,818,007-143,818,008); duplicating either gives the same sequence. VCF-style (leftmost placement, unchanged base first): chr8-143818006-A-AG. GRCh37 (hg19) VCF-style: chr8-144900176-A-AG.
Other names: c.543dup, p.Phe182fs (NM_001136033.3); c.618dup, p.Phe207fs (NM_001271096.2); c.534dup, p.Phe179fs (NM_001271097.2); c.669dup, p.Phe224fs (NM_001271098.2); c.585dup, p.Phe196fs (NM_001271099.2); c.492dup, p.Phe165fs (NM_001271100.2); c.783dup, p.Phe262fs (NM_001362895.2, NM_001362896.2); c.732dup, p.Phe245fs (NM_001362897.2); and 2 more; short protein forms F165fs, F179fs, F182fs, F196fs, F207fs, F208fs, F224fs, F225fs.
Identifiers: ClinVar variation 1334130 (VCV001334130.2), dbSNP rs2130247180, ClinGen allele CA2573052986.